The following is an entry in ClinVar:

NM_005045.4(RELN):c.*397G>A

Genes: SLC26A5-AS1 (SLC26A5 antisense RNA 1; plus strand), RELN (reelin; minus strand). Cytogenetic location: 7q22.1.
Variant type: single nucleotide variant.
Coding change: c.*397G>A on transcript NM_005045.4 (MANE Select); 397 bases downstream of the stop codon, G replaced by A.
Molecular consequence: 3 prime UTR variant.
Genome position (GRCh38, 1-based): chr7:103,472,415, C>T on the plus strand (G>A on the coding strand, the complement: RELN is on the minus strand). VCF-style: chr7-103472415-C-T. GRCh37 (hg19) VCF-style: chr7-103112862-C-T.
Other names: c.*397G>A (NM_173054.3).
Identifiers: ClinVar variation 358369 (VCV000358369.6), dbSNP rs7811262, ClinGen allele CA10627815.

ClinVar aggregate classification (germline): Benign. Review status: criteria provided, multiple submitters, no conflicts (2 of 4 stars). 2 submissions from 2 submitters: Benign (2). Last evaluated 2018-01-12.

Conditions:
Norman-Roberts syndrome (LIS2). Also called: Lissencephaly 2 (Norman-Roberts type). Identifiers: Orphanet 89844, MedGen C0796089, MONDO:0009760, OMIM 257320.

Allele frequency attached by ClinVar (database versions not stated): gnomAD exomes 0.99161; gnomAD 0.99261 and 0.99299; TOPMed 0.99484; 1000 Genomes Project 0.99840; 1000 Genomes Project 30x 0.99875.
gnomAD v4.1: 254,089 of 256,042 alleles (99%); highest among the groups gnomAD compares: Middle Eastern, 100%; 126,082 homozygotes.

Submissions (2):

Illumina Laboratory Services, Illumina
Classification: Benign for Norman-Roberts syndrome. Last evaluated: 2018-01-12. Review status: criteria provided, single submitter. Criteria: ICSL Variant Classification Criteria 13 December 2019. Collection method: clinical testing. Allele origin: germline.
Comment: This variant was observed in the ICSL laboratory as part of a predisposition screen in an ostensibly healthy population. It had not been previously curated by ICSL or reported in the Human Gene Mutation Database (HGMD: prior to June 1st, 2018), and was therefore a candidate for classification through an automated scoring system. Utilizing variant allele frequency, disease prevalence and penetrance estimates, and inheritance mode, an automated score was calculated to assess if this variant is too frequent to cause the disease. Based on the score and internal cut-off values, a variant classified as benign is not then subjected to further curation. The score for this variant resulted in a classification of benign for this disease.

Breakthrough Genomics
Classification: Benign. Review status: criteria provided, single submitter. Criteria: ACMG Guidelines, 2015. Collection method: not provided. Allele origin: germline. Inheritance: Autosomal recessive inheritance. Affected: yes.